The following is an entry in ClinVar:

NM_001379659.1(ZNF142):c.5095A>G (p.Met1699Val)

Gene: ZNF142 (zinc finger protein 142; minus strand). Cytogenetic location: 2q35.
Variant type: single nucleotide variant.
Coding change: c.5095A>G on transcript NM_001379659.1 (MANE Select); coding-DNA position 5095, A replaced by G.
Protein change: p.Met1699Val; replaces methionine 1699 with valine.
Molecular consequence: missense variant.
Genome position (GRCh38, 1-based): chr2:218,640,763, T>C on the plus strand (A>G on the coding strand, the complement: ZNF142 is on the minus strand). VCF-style: chr2-218640763-T-C. GRCh37 (hg19) VCF-style: chr2-219505486-T-C.
Other names: c.4495A>G, p.Met1499Val (NM_001105537.5, NM_001366291.3, NM_001379662.1); c.4006A>G, p.Met1336Val (NM_001366287.3, NM_001366288.3, NM_001366289.3); c.5095A>G, p.Met1699Val (NM_001366290.3, NM_001379660.1, NM_001379661.1); short protein forms M1336V, M1499V, M1699V.
Identifiers: ClinVar variation 5018370 (VCV005018370.1).
Genomic context (GRCh38, chr2:218,640,763, plus strand): 5'-ACTTGCACTTGTAGCCACACTCAGGGCACAGGTACTTCCGTTCCTCCTTGTGGATCCGCA[T>C]GTGGTACTGGAAGAGGCAAGAGCAAAAAGCAGAAAATATAGTAAGTGCTCAATAAATGTT-3'
Protein context (NP_001366588.1, residues 1689-1709): CADPSRLKYH[Met1699Val]RIHKEERKYL

ClinVar aggregate classification (germline): Uncertain significance (1 of 4 stars; one submission).

Submission:

GeneDx
Classification: Uncertain significance. Last evaluated: 2026-04-09. Review status: criteria provided, single submitter. Criteria: GeneDx Variant Classification Process June 2021. Collection method: clinical testing. Allele origin: germline.
Comment: Not observed at significant frequency in large population cohorts (gnomAD); In silico analysis suggests that this missense variant does not alter protein structure/function; Has not been previously published as pathogenic or benign to our knowledge